The following is an entry in ClinVar:

NM_005429.5(VEGFC):c.995G>A (p.Arg332Gln)

Genes: HAFML (HuR (ELAVL1) associated fibroblast migratory lncRNA; plus strand), VEGFC (vascular endothelial growth factor C; minus strand). Cytogenetic location: 4q34.3.
Variant type: single nucleotide variant.
Coding change: c.995G>A on transcript NM_005429.5 (MANE Select); coding-DNA position 995, G replaced by A.
Protein change: p.Arg332Gln; replaces arginine 332 with glutamine.
Molecular consequence: missense variant.
Genome position (GRCh38, 1-based): chr4:176,687,337, C>T on the plus strand (G>A on the coding strand, the complement: VEGFC is on the minus strand). VCF-style: chr4-176687337-C-T. GRCh37 (hg19) VCF-style: chr4-177608491-C-T.
Other names: short protein forms R332Q.
Identifiers: ClinVar variation 4974655 (VCV004974655.1).
Genomic context (GRCh38, chr4:176,687,337, plus strand): 5'-GGTTGATTTCTGGGGCAGGTTCTTTTACATACACACTGGCATGTGTTTTCATCAAATTCT[C>T]GGTTGGCCCCACATTGGCTGGGGAAGAGTTTGTTTTTACAGACACACTGGCATGAGTTTC-3'
Protein context (NP_005420.1, residues 322-342): KLFPSQCGAN[Arg332Gln]EFDENTCQCV

ClinVar aggregate classification (germline): Uncertain significance (1 of 4 stars; one submission).

Conditions:
Lymphatic malformation 4 (LMPHM4). Also called: Lymphedema, hereditary, ID. Identifiers: Orphanet 79452, MedGen C4747769, MONDO:0014393, OMIM 615907.

gnomAD v4.1: 38 of 1,614,004 alleles (0.0024%); highest among the groups gnomAD compares: Non-Finnish European, 0.0029%; no homozygotes.

Submission:

Clinical Genomics Laboratory, Washington University in St. Louis
Classification: Uncertain significance for Lymphatic malformation 4. Last evaluated: 2025-10-16. Review status: criteria provided, single submitter. Criteria: ACMG Guidelines, 2015. Collection method: clinical testing. Allele origin: germline.
Comment: A VEGFC c.995G>A (p.Arg332Gln) variant was identified at an allelic fraction consistent with somatic origin. This variant, to our knowledge, has not been reported in the medical literature. It is observed on 38/1,614,004 alleles in the general population (gnomAD v.4.1.0). Computational predictors suggest that the variant does not impact VEGFC function. Due to limited information, and based on internally developed protocol informed by the ACMG/AMP guidelines for variant interpretation and gene-specific practices from the ClinGen Criteria Specification Registry (Leon-Quintero FZ et al., PMID: 39434542), the clinical significance of the VEGFC c.995G>A (p.Arg332Gln) is uncertain at this time.